The following is an entry in ClinVar:

ClinVar aggregate classification (germline): Benign (1 of 4 stars; one submission).

Conditions:
MRPL49-related condition.

gnomAD v4.1: 2,310 of 1,613,862 alleles (0.14%); highest among the groups gnomAD compares: African/African-American, 2.7%; 37 homozygotes.

Submission:

PreventionGenetics, part of Exact Sciences
Classification: Benign for MRPL49-related condition. Last evaluated: 2026-07-02. Review status: criteria provided, single submitter. Criteria: ACMG Guidelines, 2015. Collection method: clinical testing. Allele origin: germline.
Comment: This variant is classified as benign based on ACMG/AMP sequence variant interpretation guidelines (Richards et al. 2015 PMID: 25741868, with internal and published modifications).

NM_004927.4(MRPL49):c.370G>A (p.Val124Met)

Gene: MRPL49 (mitochondrial ribosomal protein L49; plus strand). Cytogenetic location: 11q13.1.
Variant type: single nucleotide variant.
Coding change: c.370G>A on transcript NM_004927.4 (MANE Select); coding-DNA position 370, G replaced by A.
Protein change: p.Val124Met; replaces valine 124 with methionine.
Molecular consequence: missense variant. On other transcripts: non-coding transcript variant (2).
Genome position (GRCh38, 1-based): chr11:65,125,741, G>A. VCF-style: chr11-65125741-G-A. GRCh37 (hg19) VCF-style: chr11-64893213-G-A.
Other names: short protein forms V124M.
Identifiers: ClinVar variation 4980939 (VCV004980939.1).